The following is an entry in ClinVar:

NM_014014.5(SNRNP200):c.5133+3C>T

Genes: SNRNP200 (small nuclear ribonucleoprotein U5 subunit 200; minus strand), LOC126806272 (BRD4-independent group 4 enhancer GRCh37_chr2:96944520-96945719; plus strand). Cytogenetic location: 2q11.2.
Variant type: single nucleotide variant.
Coding change: c.5133+3C>T on transcript NM_014014.5 (MANE Select); 3 bases into the intron after coding-DNA position 5133, C replaced by T.
Molecular consequence: intron variant.
Genome position (GRCh38, 1-based): chr2:96,279,448, G>A on the plus strand (C>T on the coding strand, the complement: SNRNP200 is on the minus strand). VCF-style: chr2-96279448-G-A. GRCh37 (hg19) VCF-style: chr2-96945186-G-A.
Identifiers: ClinVar variation 3682573 (VCV003682573.2).
Genomic context (GRCh38, chr2:96,279,448, plus strand): 5'-GAAAGATTAAAGAATCCATTCTGAGGCTACGGATCCAAGAGGCTCCATGAGTCTAGGACT[G>A]ACCTTCTTGGAGCCCTGACACATGATGACACAGCGCCCCTCATCGTCCTGCAAAGGGCGG-3'

ClinVar aggregate classification (germline): Uncertain significance (1 of 4 stars; one submission).

gnomAD v4.1: 35 of 1,603,638 alleles (0.0022%); highest among the groups gnomAD compares: Non-Finnish European, 0.0026%; no homozygotes.

Submission:

Labcorp Genetics (formerly Invitae), Labcorp
Classification: Uncertain significance. Last evaluated: 2024-09-11. Review status: criteria provided, single submitter. Criteria: Invitae Variant Classification Sherloc (09022015). Collection method: clinical testing. Allele origin: germline.
Comment: This sequence change falls in intron 36 of the SNRNP200 gene. It does not directly change the encoded amino acid sequence of the SNRNP200 protein. It affects a nucleotide within the consensus splice site. This variant is not present in population databases (gnomAD no frequency). This variant has not been reported in the literature in individuals affected with SNRNP200-related conditions. Variants that disrupt the consensus splice site are a relatively common cause of aberrant splicing (PMID: 17576681, 9536098). Algorithms developed to predict the effect of sequence changes on RNA splicing suggest that this variant is not likely to affect RNA splicing. In summary, the available evidence is currently insufficient to determine the role of this variant in disease. Therefore, it has been classified as a Variant of Uncertain Significance.

Literature cited by the submitters: PubMed 17576681; PubMed 9536098.